The following is an entry in ClinVar:

NM_006329.4(FBLN5):c.740-3C>T

Gene: FBLN5 (fibulin 5; minus strand). Cytogenetic location: 14q32.12.
Variant type: single nucleotide variant.
Coding change: c.740-3C>T on transcript NM_006329.4 (MANE Select); 3 bases into the intron before coding-DNA position 740, C replaced by T.
Molecular consequence: intron variant.
Genome position (GRCh38, 1-based): chr14:91,883,079, G>A on the plus strand (C>T on the coding strand, the complement: FBLN5 is on the minus strand). VCF-style: chr14-91883079-G-A. GRCh37 (hg19) VCF-style: chr14-92349423-G-A.
Other names: c.740-3C>T (NM_001384160.1); c.863-3C>T (NM_001384158.1); c.572-3C>T (NM_001384162.1, NM_001384161.1); c.791-3C>T (NM_001384159.1).
Identifiers: ClinVar variation 1977544 (VCV001977544.5), dbSNP rs2542770404, ClinGen allele CA2580088915.
Genomic context (GRCh38, chr14:91,883,079, plus strand): 5'-GGCTGGTTCACACACTCATGTTGGCAGAGGAACTCAGAGAAGCTGCACTCGTCCATATCT[G>A]GGGTGACAAGTCACACCTGCTGTTTGTAATCCCAGTCTACATGGGGATGGGAGCTTAGTG-3'

ClinVar aggregate classification (germline): Uncertain significance (1 of 4 stars; one submission).

Submission:

Labcorp Genetics (formerly Invitae), Labcorp
Classification: Uncertain significance. Last evaluated: 2022-07-23. Review status: criteria provided, single submitter. Criteria: Invitae Variant Classification Sherloc (09022015). Collection method: clinical testing. Allele origin: germline.
Comment: In summary, the available evidence is currently insufficient to determine the role of this variant in disease. Therefore, it has been classified as a Variant of Uncertain Significance. Variants that disrupt the consensus splice site are a relatively common cause of aberrant splicing (PMID: 17576681, 9536098). Algorithms developed to predict the effect of sequence changes on RNA splicing suggest that this variant is not likely to affect RNA splicing. This variant has not been reported in the literature in individuals affected with FBLN5-related conditions. This variant is not present in population databases (gnomAD no frequency). This sequence change falls in intron 7 of the FBLN5 gene. It does not directly change the encoded amino acid sequence of the FBLN5 protein. It affects a nucleotide within the consensus splice site.

Literature cited by the submitters: PubMed 17576681; PubMed 9536098.